The following is an entry in ClinVar:

NM_007194.4(CHEK2):c.680G>A (p.Gly227Glu)

Gene: CHEK2 (checkpoint kinase 2; minus strand). Cytogenetic location: 22q12.1.
Variant type: single nucleotide variant.
Coding change: c.680G>A on transcript NM_007194.4 (MANE Select); coding-DNA position 680, G replaced by A.
Protein change: p.Gly227Glu; replaces glycine 227 with glutamic acid.
Molecular consequence: missense variant. On other transcripts: intron variant (1).
Genome position (GRCh38, 1-based): chr22:28,719,398, C>T on the plus strand (G>A on the coding strand, the complement: CHEK2 is on the minus strand). VCF-style: chr22-28719398-C-T. GRCh37 (hg19) VCF-style: chr22-29115386-C-T.
Other names: c.809G>A, p.Gly270Glu (NM_001005735.3, NM_001438294.1); c.17G>A, p.Gly6Glu (NM_001257387.3, NM_001437942.1); c.773G>A, p.Gly258Glu (NM_001438293.1, NM_001438295.1); c.680G>A, p.Gly227Glu (NM_145862.3); c.482+5488G>A (NM_001349956.3); short protein forms G6E, G227E, G270E, G258E.
Identifiers: ClinVar variation 853342 (VCV000853342.13), dbSNP rs2053689692, ClinGen allele CA411104849.

ClinVar aggregate classification (germline): Uncertain significance. Review status: criteria provided, multiple submitters, no conflicts (2 of 4 stars). 4 submissions from 4 submitters: Uncertain significance (4). Last evaluated 2025-12-14.

Conditions:
CHEK2-related cancer predisposition (TPDS4). Also called: TUMOR PREDISPOSITION SYNDROME 4; CANCER PREDISPOSITION SYNDROME, CHEK2-RELATED; CHEK2-related cancer susceptibility. Identifiers: Orphanet 524, MedGen C5882668, MONDO:0700271, OMIM 609265.
Hereditary cancer-predisposing syndrome. Also called: Neoplastic Syndromes, Hereditary; Hereditary Cancer Syndrome; Tumor predisposition; Hereditary neoplastic syndrome. Identifiers: Orphanet 140162, MedGen C0027672, MeSH D009386, MONDO:0015356.
Familial cancer of breast. Also called: Hereditary breast cancer; hereditary breast carcinoma; BREAST CANCER, FAMILIAL. Identifiers: Orphanet 227535, MedGen C0346153, MONDO:0016419, OMIM 114480. Disease mechanism: loss of function.

Allele frequency attached by ClinVar (database versions not stated): gnomAD exomes below 0.00001.
gnomAD v4.1: 2 of 1,560,242 alleles (0.00013%); highest among the groups gnomAD compares: South Asian, 0.0023%; no homozygotes.

Submissions (4):

Labcorp Genetics (formerly Invitae), Labcorp
Classification: Uncertain significance for Familial cancer of breast. Last evaluated: 2025-12-14. Review status: criteria provided, single submitter. Criteria: Invitae Variant Classification Sherloc (09022015). Collection method: clinical testing. Allele origin: germline.
Comment: This sequence change replaces glycine, which is neutral and non-polar, with glutamic acid, which is acidic and polar, at codon 227 of the CHEK2 protein (p.Gly227Glu). This variant is not present in population databases (gnomAD no frequency). This variant has not been reported in the literature in individuals affected with CHEK2-related conditions. ClinVar contains an entry for this variant (Variation ID: 853342). An algorithm developed to predict the effect of missense changes on protein structure and function (PolyPhen-2) suggests that this variant is likely to be disruptive. In summary, the available evidence is currently insufficient to determine the role of this variant in disease. Therefore, it has been classified as a Variant of Uncertain Significance.

Department of Pathology and Laboratory Medicine, Sinai Health System
Classification: Uncertain significance for CHEK2-related cancer predisposition. Last evaluated: 2024-01-31. Review status: criteria provided, single submitter. Criteria: ACMG Guidelines, 2015. Collection method: clinical testing. Allele origin: germline. Affected: yes.

Ambry Genetics
Classification: Uncertain significance for Hereditary cancer-predisposing syndrome. Last evaluated: 2023-08-10. Review status: criteria provided, single submitter. Criteria: Ambry General Variant Classification Scheme_2022. Collection method: clinical testing. Allele origin: germline.
Comment: The p.G227E variant (also known as c.680G>A), located in coding exon 4 of the CHEK2 gene, results from a G to A substitution at nucleotide position 680. The glycine at codon 227 is replaced by glutamic acid, an amino acid with similar properties. This amino acid position is highly conserved in available vertebrate species. In addition, this alteration is predicted to be deleterious by in silico analysis. Since supporting evidence is limited at this time, the clinical significance of this alteration remains unclear.

GeneDx
Classification: Uncertain significance. Last evaluated: 2020-07-08. Review status: criteria provided, single submitter. Criteria: GeneDx Variant Classification Process June 2021. Collection method: clinical testing. Allele origin: germline. Affected: yes.
Comment: Not observed in large population cohorts (Lek 2016); In silico analysis supports that this missense variant has a deleterious effect on protein structure/function; Has not been previously published as pathogenic or benign to our knowledge

Literature cited by the submitters: PubMed 32663328 (cited by Department of Pathology and Laboratory Medicine, Sinai Health System).